The following is an entry in ClinVar:

ClinVar aggregate classification (germline): Uncertain significance (1 of 4 stars; one submission).

Conditions:
Blepharocheilodontic syndrome 2 (BCDS2). Identifiers: MedGen C4540127, MONDO:0040503, OMIM 617681.

Submission:

Juno Genomics, Hangzhou Juno Genomics, Inc
Classification: Uncertain significance for Blepharocheilodontic syndrome 2. Review status: criteria provided, single submitter. Criteria: ACMG Guidelines, 2015. Collection method: clinical testing. Allele origin: germline.
Comment: Absent from controls (or at extremely low frequency if recessive) in Genome Aggregation Database.;Null variant in a gene where loss of function (LOF) is a known mechanism of disease.

NM_001085458.2(CTNND1):c.257_266del (p.Asn86fs)

Genes: CTNND1 (catenin delta 1; plus strand), TMX2-CTNND1 (TMX2-CTNND1 readthrough (NMD candidate); plus strand). Cytogenetic location: 11q12.1.
Variant type: Deletion.
Coding change: c.257_266del on transcript NM_001085458.2 (MANE Select); coding-DNA positions 257 to 266, 10 bases deleted (ACGGACCCCA; older notation c.257_266delACGGACCCCA).
Protein change: p.Asn86fs; shifts the reading frame from asparagine 86.
Molecular consequence: frameshift variant. On other transcripts: non-coding transcript variant (1), 5 prime UTR variant (7), intron variant (1).
Genome position (GRCh38, 1-based): chr11:57,794,071-57,794,080, ACGGACCCCA deleted; deleting any 10 consecutive bases within chr11:57,794,069-57,794,080 gives the same sequence; the c. name uses the placement nearest the transcript's 3' end. VCF-style (leftmost placement, unchanged base first): chr11-57794068-TCAACGGACCC-T. GRCh37 (hg19) VCF-style: chr11-57561540-TCAACGGACCC-T.
Other names: c.257_266del, p.Asn86fs (NM_001085459.2, NM_001085460.2, NM_001085461.2 and 3 more transcripts); c.-47_-38del (NM_001085463.2, NM_001085464.2, NM_001085465.2 and 4 more transcripts); c.95_104del, p.Asn32fs (NM_001206883.2, NM_001206884.2, NM_001206886.2 and 4 more transcripts); c.-36-1506_-36-1497del (NM_001085469.2); short protein forms N32fs, N86fs.
Identifiers: ClinVar variation 5007879 (VCV005007879.2).